The following is an entry in ClinVar:

NM_001940.4(ATN1):c.1508_1509insGCAGCAGCAGCATCA (p.Gln502_His503insGlnGlnGlnGlnHis)

Genes: ATN1 (atrophin 1; plus strand), LOC109461484 (atrophin 1 repeat instability region; plus strand). Cytogenetic location: 12p13.31.
Variant type: Microsatellite.
Coding change: c.1508_1509insGCAGCAGCAGCATCA on transcript NM_001940.4 (MANE Select); coding-DNA positions 1508 to 1509, GCAGCAGCAGCATCA inserted.
Protein change: p.Gln502_His503insGlnGlnGlnGlnHis.
Molecular consequence: inframe insertion.
Genome position: GRCh38 VCF-style: chr12-6936773-G-GCAGCAGCAGCAGCAT. GRCh37 (hg19) VCF-style: chr12-7045936-G-GCAGCAGCAGCAGCAT.
Other names: c.1508_1509insGCAGCAGCAGCATCA, p.Gln502_His503insGlnGlnGlnGlnHis (NM_001007026.2).
Identifiers: ClinVar variation 2214258 (VCV002214258.2), dbSNP rs782468714.

ClinVar aggregate classification (germline): Uncertain significance (1 of 4 stars; one submission).

Conditions:
Inborn genetic diseases. Identifiers: MedGen C0950123, MeSH D030342.

Submission:

Ambry Genetics
Classification: Uncertain significance for Inborn genetic diseases. Last evaluated: 2021-01-27. Review status: criteria provided, single submitter. Criteria: Ambry Variant Classification Scheme 2023. Collection method: clinical testing. Allele origin: germline.
Comment: The c.1508_1509insGCAGCAGCAGCATCA (p.Q502_H503insQQQQH) alteration is located in exon 5 (coding exon 4) of the ATN1 gene. The alteration consists of an in-frame insertion of 15 nucleotides between nucleotide positions c.1508 and c.1509, resulting in the insertion of 1 residue. The p.Q502_H503insQQQQH alteration is predicted to be inconclusive with a score of -3.0 by PROVEAN in silico analysis. Based on insufficient or conflicting evidence, the clinical significance of this alteration remains unclear.